The following is an entry in ClinVar:

ClinVar aggregate classification (germline): Likely benign. Review status: criteria provided, multiple submitters, no conflicts (2 of 4 stars). 4 submissions from 4 submitters: Likely benign (4). Last evaluated 2026-08-20.

Conditions:
DLL3-related disorder. Also called: DLL3-related condition.

Allele frequency attached by ClinVar (database versions not stated): ExAC 0.00005; gnomAD 0.00030; TOPMed 0.00032; 1000 Genomes Project 30x 0.00047; 1000 Genomes Project 0.00060.
gnomAD v4.1: 86 of 1,568,748 alleles (0.0055%); highest among the groups gnomAD compares: African/African-American, 0.11%; no homozygotes.

Submissions (4):

PreventionGenetics, part of Exact Sciences
Classification: Likely benign for DLL3-related condition. Last evaluated: 2026-08-20. Review status: criteria provided, single submitter. Criteria: ACMG Guidelines, 2015. Collection method: clinical testing. Allele origin: germline.
Comment: This variant is classified as likely benign based on ACMG/AMP sequence variant interpretation guidelines (Richards et al. 2015 PMID: 25741868, with internal and published modifications).

Labcorp Genetics (formerly Invitae), Labcorp
Classification: Likely benign. Last evaluated: 2024-06-14. Review status: criteria provided, single submitter. Criteria: Invitae Variant Classification Sherloc (09022015). Collection method: clinical testing. Allele origin: germline.

ARUP Laboratories, Molecular Genetics and Genomics, ARUP Laboratories
Classification: Likely benign. Last evaluated: 2017-09-07. Review status: criteria provided, single submitter. Criteria: ARUP Molecular Germline Variant Investigation Process. Collection method: clinical testing. Allele origin: germline.

Breakthrough Genomics
Classification: Likely benign. Review status: criteria provided, single submitter. Criteria: ACMG Guidelines, 2015. Collection method: not provided. Allele origin: germline. Inheritance: Autosomal recessive inheritance. Affected: yes.

NM_203486.3(DLL3):c.1386G>T (p.Ala462=)

Gene: DLL3 (delta like canonical Notch ligand 3; plus strand). Cytogenetic location: 19q13.2.
Variant type: single nucleotide variant.
Coding change: c.1386G>T on transcript NM_203486.3 (MANE Select); coding-DNA position 1386, G replaced by T.
Protein change: p.Ala462=; no amino-acid change (alanine 462 retained).
Molecular consequence: synonymous variant.
Genome position (GRCh38, 1-based): chr19:39,507,331, G>T. VCF-style: chr19-39507331-G-T. GRCh37 (hg19) VCF-style: chr19-39997971-G-T.
Other names: c.1386G>T, p.Ala462= (NM_016941.4).
Identifiers: ClinVar variation 618061 (VCV000618061.18), dbSNP rs561167838, ClinGen allele CA9432429.